The following is an entry in ClinVar:

NM_000180.4(GUCY2D):c.3292C>T (p.Arg1098Trp)

Gene: GUCY2D (guanylate cyclase 2D, retinal; plus strand). Cytogenetic location: 17p13.1.
Variant type: single nucleotide variant.
Coding change: c.3292C>T on transcript NM_000180.4 (MANE Select); coding-DNA position 3292, C replaced by T.
Protein change: p.Arg1098Trp; replaces arginine 1098 with tryptophan.
Molecular consequence: missense variant.
Genome position (GRCh38, 1-based): chr17:8,016,510, C>T. VCF-style: chr17-8016510-C-T. GRCh37 (hg19) VCF-style: chr17-7919828-C-T.
Other names: short protein forms R1098W.
Identifiers: ClinVar variation 943504 (VCV000943504.7), dbSNP rs776624188, ClinGen allele CA8366382.

ClinVar aggregate classification (germline): Uncertain significance (1 of 4 stars; one submission).

Conditions:
Cone-rod dystrophy 6 (CORD6). Also called: RETINAL CONE DYSTROPHY 2; Cone dystrophy progressive. Identifiers: Orphanet 1872, MedGen C1866293, MONDO:0011143, OMIM 601777.
Leber congenital amaurosis 1 (LCA1). Also called: AMAUROSIS CONGENITA OF LEBER I; Congenital absence of the rods and cones; Leber's congenital tapetoretinal degeneration; Leber's congenital tapetoretinal dysplasia; RETINAL BLINDNESS, CONGENITAL. Identifiers: Orphanet 65, MedGen C2931258, MONDO:0008764, OMIM 204000.

Allele frequency attached by ClinVar (database versions not stated): gnomAD exomes below 0.00001; gnomAD 0.00001; ExAC 0.00004.
gnomAD v4.1: 6 of 1,572,704 alleles (0.00038%); highest among the groups gnomAD compares: Middle Eastern, 0.033%; no homozygotes.

Submission:

Labcorp Genetics (formerly Invitae), Labcorp
Classification: Uncertain significance for Leber congenital amaurosis 1; Cone-rod dystrophy 6. Last evaluated: 2022-09-06. Review status: criteria provided, single submitter. Criteria: Invitae Variant Classification Sherloc (09022015). Collection method: clinical testing. Allele origin: germline.
Comment: This sequence change replaces arginine, which is basic and polar, with tryptophan, which is neutral and slightly polar, at codon 1098 of the GUCY2D protein (p.Arg1098Trp). The frequency data for this variant in the population databases is considered unreliable, as metrics indicate poor data quality at this position in the gnomAD database. This missense change has been observed in individual(s) with clinical features of GUCY2D-related conditions (Invitae). ClinVar contains an entry for this variant (Variation ID: 943504). Algorithms developed to predict the effect of missense changes on protein structure and function are either unavailable or do not agree on the potential impact of this missense change (SIFT: "Deleterious"; PolyPhen-2: "Probably Damaging"; Align-GVGD: "Class C0"). In summary, the available evidence is currently insufficient to determine the role of this variant in disease. Therefore, it has been classified as a Variant of Uncertain Significance.